The following is an entry in ClinVar:

NM_001122630.2(CDKN1C):c.618C>G (p.Asp206Glu)

Gene: CDKN1C (cyclin dependent kinase inhibitor 1C; minus strand). Cytogenetic location: 11p15.4.
Variant type: single nucleotide variant.
Coding change: c.618C>G on transcript NM_001122630.2 (MANE Select); coding-DNA position 618, C replaced by G.
Protein change: p.Asp206Glu; replaces aspartic acid 206 with glutamic acid.
Molecular consequence: missense variant. On other transcripts: intron variant (1).
Genome position (GRCh38, 1-based): chr11:2,884,839, G>C on the plus strand (C>G on the coding strand, the complement: CDKN1C is on the minus strand). VCF-style: chr11-2884839-G-C. GRCh37 (hg19) VCF-style: chr11-2906069-G-C.
Other names: c.651C>G, p.Asp217Glu (NM_000076.2, NM_001362474.2); c.618C>G, p.Asp206Glu (NM_001122631.2); c.255+363C>G (NM_001362475.2); short protein forms D206E, D217E.
Identifiers: ClinVar variation 2154402 (VCV002154402.4), dbSNP rs751669088, ClinGen allele CA5822200.

ClinVar aggregate classification (germline): Uncertain significance (1 of 4 stars; one submission).

Conditions:
Beckwith-Wiedemann syndrome (BWS). Also called: Exomphalos macroglossia gigantism syndrome; EMG SYNDROME. Identifiers: Orphanet 116, MedGen C0004903, MONDO:0007534, OMIM 130650.

Allele frequency attached by ClinVar (database versions not stated): gnomAD exomes below 0.00001; gnomAD 0.00001; 1000 Genomes Project 30x 0.00016.
gnomAD v4.1: 3 of 1,215,860 alleles (0.00025%); highest among the groups gnomAD compares: South Asian, 0.0084%; no homozygotes.

Submission:

Labcorp Genetics (formerly Invitae), Labcorp
Classification: Uncertain significance for Beckwith-Wiedemann syndrome. Last evaluated: 2023-10-13. Review status: criteria provided, single submitter. Criteria: Invitae Variant Classification Sherloc (09022015). Collection method: clinical testing. Allele origin: germline.
Comment: This sequence change replaces aspartic acid, which is acidic and polar, with glutamic acid, which is acidic and polar, at codon 217 of the CDKN1C protein (p.Asp217Glu). The frequency data for this variant in the population databases is considered unreliable, as metrics indicate poor data quality at this position in the gnomAD database. This variant has not been reported in the literature in individuals affected with CDKN1C-related conditions. ClinVar contains an entry for this variant (Variation ID: 2154402). Advanced modeling of protein sequence and biophysical properties (such as structural, functional, and spatial information, amino acid conservation, physicochemical variation, residue mobility, and thermodynamic stability) performed at Invitae indicates that this missense variant is not expected to disrupt CDKN1C protein function. In summary, the available evidence is currently insufficient to determine the role of this variant in disease. Therefore, it has been classified as a Variant of Uncertain Significance.